The following is an entry in ClinVar:

NM_000400.4(ERCC2):c.572del (p.Pro191fs)

Gene: ERCC2 (ERCC excision repair 2, TFIIH core complex helicase subunit; minus strand). Cytogenetic location: 19q13.32.
Variant type: Deletion.
Coding change: c.572del on transcript NM_000400.4 (MANE Select); coding-DNA position 572, one base deleted (C; older notation c.572delC).
Protein change: p.Pro191fs; shifts the reading frame from proline 191.
Molecular consequence: frameshift variant. On other transcripts: non-coding transcript variant (3).
Genome position (GRCh38, 1-based): chr19:45,364,860, G deleted on the plus strand (C on the coding strand, the reverse complement: ERCC2 is on the minus strand); the first of 3 consecutive G bases (chr19:45,364,860-45,364,862); deleting any one gives the same sequence. VCF-style (leftmost placement, unchanged base first): chr19-45364859-TG-T. GRCh37 (hg19) VCF-style: chr19-45868117-TG-T.
Other names: c.500del, p.Pro167fs (NM_001130867.2, NM_001440355.1); c.494del, p.Pro165fs (NM_001440356.1); c.449del, p.Pro150fs (NM_001440357.1); short protein forms P150fs, P165fs, P167fs, P191fs.
Identifiers: ClinVar variation 5015745 (VCV005015745.1).

ClinVar aggregate classification (germline): Pathogenic (1 of 4 stars; one submission).

Conditions:
ERCC2-related disorder. Also called: ERCC2-related conditions; ERCC2-related condition; ERCC2-related disorders. Identifiers: MedGen CN239291.

Submission:

Myriad Genetics, Inc.
Classification: Pathogenic for ERCC2-related disorder. Last evaluated: 2026-03-29. Review status: criteria provided, single submitter. Criteria: Myriad Autosomal Dominant, Autosomal Recessive and X-Linked Classification Criteria (2023). Collection method: clinical testing. Allele origin: unknown.
Comment: NM_000400.3(ERCC2):c.572delC(P191Hfs*57) is expected to be pathogenic in the context of ERCC2-related disorders. This variant is predicted to lead to an abnormal or absent protein product due to the creation of a premature termination codon in ERCC2, a gene where loss-of-function variants are known to be pathogenic. Please note: this variant was assessed in the context of healthy population screening.